The following is an entry in ClinVar:

ClinVar aggregate classification (germline): Benign/Likely benign. Review status: criteria provided, multiple submitters, no conflicts (2 of 4 stars). 9 submissions from 9 submitters: Benign (6); Likely benign (2). 1 of the submissions does not count toward it. Last evaluated 2026-02-02.

Conditions:
Epidermolysis bullosa simplex 5C, with pyloric atresia (EBS5C). Also called: PLEC-Related Epidermolysis Bullosa with Pyloric Atresia; Epidermolysis bullosa simplex with pyloric atresia; PLEC1-Related Epidermolysis Bullosa with Pyloric Atresia. Identifiers: Orphanet 158684, MedGen C2677349, MONDO:0012807, OMIM 612138.
Autosomal recessive limb-girdle muscular dystrophy type 2Q (LGMDR17). Also called: MUSCULAR DYSTROPHY, LIMB-GIRDLE, AUTOSOMAL RECESSIVE 17. Identifiers: Orphanet 254361, MedGen C3150989, MONDO:0013390, OMIM 613723.
Epidermolysis bullosa simplex with nail dystrophy (EBS5D). Identifiers: MedGen C4225309, MONDO:0014661, OMIM 616487.
Epidermolysis bullosa simplex 5B, with muscular dystrophy (EBS5B). Also called: Epidermolysis bullosa simplex with muscular dystrophy; EPIDERMOLYSIS BULLOSA SIMPLEX AND LIMB-GIRDLE MUSCULAR DYSTROPHY. Identifiers: Orphanet 257, MedGen C2931072, MONDO:0009181, OMIM 226670.
Epidermolysis bullosa simplex, Ogna type (EBS5A). Also called: Pidermolysis bullosa simplex 5A, Ogna type; EPIDERMOLYSIS BULLOSA SIMPLEX 5A, OGNA TYPE. Identifiers: Orphanet 79401, MedGen C0432317, MONDO:0007555, OMIM 131950.

Allele frequency attached by ClinVar (database versions not stated): 1000 Genomes Project 30x 0.02748; 1000 Genomes Project 0.02756; TOPMed 0.05108; gnomAD 0.05219 and 0.05241; ESP Exome Variant Server 0.05508; ExAC 0.05900; gnomAD exomes 0.05915.
gnomAD v4.1: 104,612 of 1,610,184 alleles (6.5%); highest among the groups gnomAD compares: Middle Eastern, 18%; 4,068 homozygotes.

Submissions (9):

Labcorp Genetics (formerly Invitae), Labcorp
Classification: Benign for Autosomal recessive limb-girdle muscular dystrophy type 2Q; Epidermolysis bullosa simplex, Ogna type; Epidermolysis bullosa simplex with nail dystrophy; Epidermolysis bullosa simplex 5C, with pyloric atresia; Epidermolysis bullosa simplex 5B, with muscular dystrophy. Last evaluated: 2026-02-02. Review status: criteria provided, single submitter. Criteria: Invitae Variant Classification Sherloc (09022015). Collection method: clinical testing. Allele origin: germline.

Athena Diagnostics
Classification: Benign. Last evaluated: 2018-06-21. Review status: criteria provided, single submitter. Criteria: Athena Diagnostics Criteria. Collection method: clinical testing. Allele origin: germline.

Mayo Clinic Laboratories, Mayo Clinic
Classification: Benign. Last evaluated: 2017-12-04. Review status: criteria provided, single submitter. Criteria: ACMG Guidelines, 2015. Collection method: clinical testing. Allele origin: germline. Observed: 154 variant alleles.

GeneDx
Classification: Benign. Last evaluated: 2015-03-03. Review status: criteria provided, single submitter. Criteria: GeneDx Variant Classification Process June 2021. Collection method: clinical testing. Allele origin: germline. Affected: yes.

Laboratory for Molecular Medicine, Mass General Brigham Personalized Medicine
Classification: Benign. Last evaluated: 2015-01-13. Review status: criteria provided, single submitter. Criteria: LMM Criteria. Collection method: clinical testing. Allele origin: germline. Observed: 1 variant allele.
Comment: p.Gly2812Gly in exon 32 of PLEC: This variant is not expected to have clinical s ignificance because it does not alter an amino acid residue and is not located w ithin the splice consensus sequence. It has been identified in 7.7% (656/8506) o f European American chromosomes from a broad population by the NHLBI Exome Seque ncing Project (dbSNP rs35139934).

Eurofins Ntd Llc (ga)
Classification: Benign. Last evaluated: 2014-08-06. Review status: criteria provided, single submitter. Criteria: EGL Classification Definitions 2015. Collection method: clinical testing. Allele origin: germline. Observed: 1 variant allele, 1 heterozygote.

Breakthrough Genomics
Classification: Likely benign. Review status: criteria provided, single submitter. Criteria: ACMG Guidelines, 2015. Collection method: not provided. Allele origin: germline. Inheritance: Autosomal recessive inheritance. Affected: yes.

PreventionGenetics, part of Exact Sciences
Classification: Likely benign. Review status: criteria provided, single submitter. Criteria: ACMG Guidelines, 2015. Collection method: clinical testing. Allele origin: germline.

Genetic Services Laboratory, University of Chicago
Classification: Likely benign for AllHighlyPenetrant. Review status: no assertion criteria provided. Collection method: clinical testing. Allele origin: germline. Inheritance: Autosomal recessive inheritance. Not counted in ClinVar's aggregate classification.
Comment: Likely benign based on allele frequency in 1000 Genomes Project or ESP global frequency and its presence in a patient with a rare or unrelated disease phenotype. NOT Sanger confirmed.

NM_201384.3(PLEC):c.8025C>T (p.Gly2675=)

Gene: PLEC (plectin; minus strand). Cytogenetic location: 8q24.3.
Variant type: single nucleotide variant.
Coding change: c.8025C>T on transcript NM_201384.3 (MANE Select); coding-DNA position 8025, C replaced by T.
Protein change: p.Gly2675=; no amino-acid change (glycine 2675 retained).
Molecular consequence: synonymous variant.
Genome position (GRCh38, 1-based): chr8:143,921,796, G>A on the plus strand (C>T on the coding strand, the complement: PLEC is on the minus strand). VCF-style: chr8-143921796-G-A. GRCh37 (hg19) VCF-style: chr8-144995964-G-A.
Other names: p.Gly2661=; c.8106C>T, p.Gly2702= (NM_000445.5); c.7983C>T, p.Gly2661= (NM_201378.4); c.7959C>T, p.Gly2653= (NM_201379.3); c.8436C>T, p.Gly2812= (NM_201380.4); c.7929C>T, p.Gly2643= (NM_201381.3); c.8025C>T, p.Gly2675= (NM_201382.4); c.8037C>T, p.Gly2679= (NM_201383.3).
Identifiers: ClinVar variation 129957 (VCV000129957.27), dbSNP rs35139934, ClinGen allele CA154627.